The following is an entry in ClinVar:

ClinVar aggregate classification (germline): Likely benign (1 of 4 stars; one submission).

Conditions:
EP300-related disorder. Also called: EP300-related disorders; EP300-related condition.

gnomAD v4.1: 18 of 1,613,942 alleles (0.0011%); highest among the groups gnomAD compares: Admixed American, 0.0017%; no homozygotes.

Submission:

PreventionGenetics, part of Exact Sciences
Classification: Likely benign for EP300-related condition. Last evaluated: 2025-03-26. Review status: criteria provided, single submitter. Criteria: ACMG Guidelines, 2015. Collection method: clinical testing. Allele origin: germline.
Comment: This variant is classified as likely benign based on ACMG/AMP sequence variant interpretation guidelines (Richards et al. 2015 PMID: 25741868, with internal and published modifications).

NM_001429.4(EP300):c.2914C>G (p.Pro972Ala)

Genes: EP300 (EP300 lysine acetyltransferase; plus strand), LOC126863158 (BRD4-independent group 4 enhancer GRCh37_chr22:41547383-41548582; plus strand). Cytogenetic location: 22q13.2.
Variant type: single nucleotide variant.
Coding change: c.2914C>G on transcript NM_001429.4 (MANE Select); coding-DNA position 2914, C replaced by G.
Protein change: p.Pro972Ala; replaces proline 972 with alanine.
Molecular consequence: missense variant.
Genome position (GRCh38, 1-based): chr22:41,151,929, C>G. VCF-style: chr22-41151929-C-G. GRCh37 (hg19) VCF-style: chr22-41547933-C-G.
Other names: c.2836C>G, p.Pro946Ala (NM_001362843.2); short protein forms P946A, P972A.
Identifiers: ClinVar variation 4977702 (VCV004977702.1).